The following is an entry in ClinVar:

NM_001329943.3(KIAA0586):c.2894G>T (p.Ser965Ile)

Gene: KIAA0586 (KIAA0586; plus strand). Cytogenetic location: 14q23.1.
Variant type: single nucleotide variant.
Coding change: c.2894G>T on transcript NM_001329943.3 (MANE Select); coding-DNA position 2894, G replaced by T.
Protein change: p.Ser965Ile; replaces serine 965 with isoleucine.
Molecular consequence: missense variant.
Genome position (GRCh38, 1-based): chr14:58,477,191, G>T. VCF-style: chr14-58477191-G-T. GRCh37 (hg19) VCF-style: chr14-58943909-G-T.
Other names: c.3053G>T, p.Ser1018Ile (NM_001244189.2); c.2849G>T, p.Ser950Ile (NM_001244190.2); c.2639G>T, p.Ser880Ile (NM_001244191.2, NM_001329945.2, NM_001364700.1 and 1 more transcripts); c.2762G>T, p.Ser921Ile (NM_001244192.2); c.2474G>T, p.Ser825Ile (NM_001244193.2); c.2894G>T, p.Ser965Ile (NM_001329944.2, NM_001329946.2, NM_001329947.2); c.2666G>T, p.Ser889Ile (NM_014749.5); short protein forms S1018I, S880I, S889I, S921I, S825I, S950I, S965I.
Identifiers: ClinVar variation 1461303 (VCV001461303.6), dbSNP rs1161690227, ClinGen allele CA389878948.

ClinVar aggregate classification (germline): Uncertain significance (1 of 4 stars; one submission).

Conditions:
Joubert syndrome 23 (JBTS23). Identifiers: Orphanet 475, MedGen C4084822, MONDO:0014664, OMIM 616490.
Short-rib thoracic dysplasia 14 with polydactyly (SRTD14). Identifiers: Orphanet 397715, MedGen C4225286, MONDO:0014688, OMIM 616546.

Submission:

Labcorp Genetics (formerly Invitae), Labcorp
Classification: Uncertain significance for Joubert syndrome 23; Short-rib thoracic dysplasia 14 with polydactyly. Last evaluated: 2022-02-17. Review status: criteria provided, single submitter. Criteria: Invitae Variant Classification Sherloc (09022015). Collection method: clinical testing. Allele origin: germline.
Comment: In summary, the available evidence is currently insufficient to determine the role of this variant in disease. Therefore, it has been classified as a Variant of Uncertain Significance. Algorithms developed to predict the effect of missense changes on protein structure and function are either unavailable or do not agree on the potential impact of this missense change (SIFT: "Deleterious"; PolyPhen-2: "Benign"; Align-GVGD: "Class C0"). This variant has not been reported in the literature in individuals affected with KIAA0586-related conditions. This variant is not present in population databases (gnomAD no frequency). This sequence change replaces serine, which is neutral and polar, with isoleucine, which is neutral and non-polar, at codon 1018 of the KIAA0586 protein (p.Ser1018Ile).